The following is an entry in ClinVar:

NM_004006.3(DMD):c.2822C>G (p.Pro941Arg)

Gene: DMD (dystrophin; minus strand). Cytogenetic location: Xp21.1.
Variant type: single nucleotide variant.
Coding change: c.2822C>G on transcript NM_004006.3 (MANE Select); coding-DNA position 2822, C replaced by G.
Protein change: p.Pro941Arg; replaces proline 941 with arginine.
Molecular consequence: missense variant.
Genome position (GRCh38, 1-based): chrX:32,472,291, G>C on the plus strand (C>G on the coding strand, the complement: DMD is on the minus strand). VCF-style: chrX-32472291-G-C. GRCh37 (hg19) VCF-style: chrX-32490408-G-C.
Other names: c.2798C>G, p.Pro933Arg (NM_000109.4); c.2810C>G, p.Pro937Arg (NM_004009.3); c.2453C>G, p.Pro818Arg (NM_004010.3); short protein forms P941R, P937R, P933R, P818R.
Identifiers: ClinVar variation 1041170 (VCV001041170.9), dbSNP rs373914964, ClinGen allele CA412668249.
Genomic context (GRCh38, chrX:32,472,291, plus strand): 5'-TTGGTTTCTGACTGCTGGACCCATGTCCTGATGGCACTCATGGTCTCCTGATAGCGCATT[G>C]GTGGCAAAGTGTCAAAAACTTTATCAAAAGGGAAAAAAGAATGAGAATCACTTAATTGTT-3'
Protein context (NP_003997.2, residues 931-951): ELQTIFDTLP[Pro941Arg]MRYQETMSAI

ClinVar aggregate classification (germline): Uncertain significance (1 of 4 stars; one submission).

Conditions:
Duchenne muscular dystrophy (DMD). Also called: MUSCULAR DYSTROPHY, PSEUDOHYPERTROPHIC PROGRESSIVE, DUCHENNE TYPE; Duchenne Muscular Dystrophy (DMD). Identifiers: Orphanet 98896, MedGen C0013264, MONDO:0010679, OMIM 310200.

Submission:

Labcorp Genetics (formerly Invitae), Labcorp
Classification: Uncertain significance for Duchenne muscular dystrophy. Last evaluated: 2020-03-12. Review status: criteria provided, single submitter. Criteria: Invitae Variant Classification Sherloc (09022015). Collection method: clinical testing. Allele origin: germline.
Comment: This variant is not present in population databases (ExAC no frequency). This variant has not been reported in the literature in individuals with DMD-related conditions. Algorithms developed to predict the effect of missense changes on protein structure and function are either unavailable or do not agree on the potential impact of this missense change (SIFT: "Deleterious"; PolyPhen-2: "Possibly Damaging"; Align-GVGD: "Class C0"). In summary, the available evidence is currently insufficient to determine the role of this variant in disease. Therefore, it has been classified as a Variant of Uncertain Significance. This sequence change replaces proline with arginine at codon 941 of the DMD protein (p.Pro941Arg). The proline residue is highly conserved and there is a moderate physicochemical difference between proline and arginine.